The following is an entry in ClinVar:

NM_000038.6(APC):c.7352C>A (p.Thr2451Asn)

Gene: APC (APC regulator of Wnt signaling pathway; plus strand). Cytogenetic location: 5q22.2.
Variant type: single nucleotide variant.
Coding change: c.7352C>A on transcript NM_000038.6 (MANE Select); coding-DNA position 7352, C replaced by A.
Protein change: p.Thr2451Asn; replaces threonine 2451 with asparagine.
Molecular consequence: missense variant.
Genome position (GRCh38, 1-based): chr5:112,842,946, C>A. VCF-style: chr5-112842946-C-A. GRCh37 (hg19) VCF-style: chr5-112178643-C-A.
Other names: c.7352C>A, p.Thr2451Asn (NM_001127510.3, NM_001354895.2); c.7298C>A, p.Thr2433Asn (NM_001127511.3); c.7406C>A, p.Thr2469Asn (NM_001354896.2); c.7382C>A, p.Thr2461Asn (NM_001354897.2); c.7277C>A, p.Thr2426Asn (NM_001354898.2); c.7268C>A, p.Thr2423Asn (NM_001354899.2); c.7229C>A, p.Thr2410Asn (NM_001354900.2); c.7175C>A, p.Thr2392Asn (NM_001354901.2); and 5 more; short protein forms T2168N, T2423N, T2426N, T2469N, T2360N, T2392N, T2410N, T2291N.
Identifiers: ClinVar variation 826984 (VCV000826984.10), dbSNP rs1580681496, ClinGen allele CA16037342.

ClinVar aggregate classification (germline): Uncertain significance. Review status: criteria provided, multiple submitters, no conflicts (2 of 4 stars). 2 submissions from 2 submitters: Uncertain significance (2). Last evaluated 2025-09-07.

Conditions:
Hereditary cancer-predisposing syndrome. Also called: Neoplastic Syndromes, Hereditary; Tumor predisposition; Hereditary neoplastic syndrome; Hereditary Cancer Syndrome. Identifiers: Orphanet 140162, MedGen C0027672, MeSH D009386, MONDO:0015356.
Familial adenomatous polyposis 1 (FAP1). Also called: POLYPOSIS, ADENOMATOUS INTESTINAL; FAMILIAL ADENOMATOUS POLYPOSIS 1, ATTENUATED. Identifiers: MedGen C2713442, MONDO:0021056, OMIM 175100. Disease mechanism: loss of function.

Allele frequency attached by ClinVar (database versions not stated): gnomAD 0.00001; TOPMed 0.00001.
gnomAD v4.1: 1 of 1,613,862 alleles (0.000062%); highest among the groups gnomAD compares: African/African-American, 0.0013%; no homozygotes.

Submissions (2):

Labcorp Genetics (formerly Invitae), Labcorp
Classification: Uncertain significance for Familial adenomatous polyposis 1. Last evaluated: 2025-09-07. Review status: criteria provided, single submitter. Criteria: Invitae Variant Classification Sherloc (09022015). Collection method: clinical testing. Allele origin: germline.
Comment: This sequence change replaces threonine, which is neutral and polar, with asparagine, which is neutral and polar, at codon 2451 of the APC protein (p.Thr2451Asn). This variant is not present in population databases (gnomAD no frequency). This variant has not been reported in the literature in individuals affected with APC-related conditions. ClinVar contains an entry for this variant (Variation ID: 826984). Invitae Evidence Modeling of protein sequence and biophysical properties (such as structural, functional, and spatial information, amino acid conservation, physicochemical variation, residue mobility, and thermodynamic stability) indicates that this missense variant is not expected to disrupt APC protein function with a negative predictive value of 95%. In summary, the available evidence is currently insufficient to determine the role of this variant in disease. Therefore, it has been classified as a Variant of Uncertain Significance.

Ambry Genetics
Classification: Uncertain significance for Hereditary cancer-predisposing syndrome. Last evaluated: 2025-08-01. Review status: criteria provided, single submitter. Criteria: Ambry Variant Classification Scheme 2023. Collection method: clinical testing. Allele origin: germline.
Comment: The p.T2451N variant (also known as c.7352C>A), located in coding exon 15 of the APC gene, results from a C to A substitution at nucleotide position 7352. The threonine at codon 2451 is replaced by asparagine, an amino acid with similar properties. This alteration was identified in a cohort of 1260 individuals undergoing panel testing for Lynch syndrome due to having a diagnosis of a Lynch-associated cancer and/or polyps. (Yurgelun MB et al. Gastroenterology, 2015 Sep;149:604-13.e20). This amino acid position is highly conserved in available vertebrate species. In addition, in silico predictors for this gene do not accurately predict pathogenicity. Since supporting evidence is limited at this time, the clinical significance of this alteration remains unclear.

Literature cited by the submitters: PubMed 25980754 (cited by Ambry Genetics).